The following is an entry in ClinVar:

NM_001127222.2(CACNA1A):c.6137G>T (p.Ser2046Ile)

Gene: CACNA1A (calcium voltage-gated channel subunit alpha1 A; minus strand). Cytogenetic location: 19p13.13.
Variant type: single nucleotide variant.
Coding change: c.6137G>T on transcript NM_001127222.2 (MANE Select); coding-DNA position 6137, G replaced by T.
Protein change: p.Ser2046Ile; replaces serine 2046 with isoleucine.
Molecular consequence: missense variant.
Genome position (GRCh38, 1-based): chr19:13,212,436, C>A on the plus strand (G>T on the coding strand, the complement: CACNA1A is on the minus strand). VCF-style: chr19-13212436-C-A. GRCh37 (hg19) VCF-style: chr19-13323250-C-A.
Other names: c.6155G>T, p.Ser2052Ile (NM_000068.4, NM_023035.3); c.6140G>T, p.Ser2047Ile (NM_001127221.2); c.6146G>T, p.Ser2049Ile (NM_001174080.2); short protein forms S2046I, S2049I, S2052I, S2047I.
Identifiers: ClinVar variation 1900827 (VCV001900827.6), dbSNP rs2054849560, ClinGen allele CA404332851.

ClinVar aggregate classification (germline): Uncertain significance. Review status: criteria provided, multiple submitters, no conflicts (2 of 4 stars). 2 submissions from 2 submitters: Uncertain significance (2). Last evaluated 2025-04-03.

Conditions:
Episodic ataxia type 2 (EA2). Also called: ATAXIA, EPISODIC, WITH NYSTAGMUS; ATAXIA, FAMILIAL PAROXYSMAL; CEREBELLAR ATAXIA, PAROXYSMAL, ACETAZOLAMIDE-RESPONSIVE; CEREBELLOPATHY, HEREDITARY PAROXYSMAL; EPISODIC ATAXIA, NYSTAGMUS-ASSOCIATED; ACETAZOLAMIDE-RESPONSIVE HEREDITARY PAROXYSMAL CEREBELLAR ATAXIA. Identifiers: Orphanet 97, MedGen C1720416, MONDO:0007163, OMIM 108500.
Developmental and epileptic encephalopathy, 42 (DEE42A). Also called: DEVELOPMENTAL AND EPILEPTIC ENCEPHALOPATHY 42A; EPILEPTIC ENCEPHALOPATHY, EARLY INFANTILE, 42A; Epileptic encephalopathy, early infantile, 42. Identifiers: MedGen C4310716, MONDO:0014917, OMIM 617106.
Inborn genetic diseases. Identifiers: MedGen C0950123, MeSH D030342.

Allele frequency attached by ClinVar (database versions not stated): TOPMed 0.00001.

Submissions (2):

Ambry Genetics
Classification: Uncertain significance for Inborn genetic diseases. Last evaluated: 2025-04-03. Review status: criteria provided, single submitter. Criteria: Ambry Variant Classification Scheme 2023. Collection method: clinical testing. Allele origin: germline.

Labcorp Genetics (formerly Invitae), Labcorp
Classification: Uncertain significance for Developmental and epileptic encephalopathy, 42; Episodic ataxia type 2. Last evaluated: 2025-02-21. Review status: criteria provided, single submitter. Criteria: Invitae Variant Classification Sherloc (09022015). Collection method: clinical testing. Allele origin: germline.
Comment: This sequence change replaces serine, which is neutral and polar, with isoleucine, which is neutral and non-polar, at codon 2047 of the CACNA1A protein (p.Ser2047Ile). This variant is not present in population databases (gnomAD no frequency). This variant has not been reported in the literature in individuals affected with CACNA1A-related conditions. ClinVar contains an entry for this variant (Variation ID: 1900827). Invitae Evidence Modeling of protein sequence and biophysical properties (such as structural, functional, and spatial information, amino acid conservation, physicochemical variation, residue mobility, and thermodynamic stability) indicates that this missense variant is not expected to disrupt CACNA1A protein function with a negative predictive value of 95%. In summary, the available evidence is currently insufficient to determine the role of this variant in disease. Therefore, it has been classified as a Variant of Uncertain Significance.